The following is an entry in ClinVar:

NM_001177701.3(IFT27):c.107A>G (p.Tyr36Cys)

Gene: IFT27 (intraflagellar transport 27; minus strand). Cytogenetic location: 22q12.3.
Variant type: single nucleotide variant.
Coding change: c.107A>G on transcript NM_001177701.3 (MANE Select); coding-DNA position 107, A replaced by G.
Protein change: p.Tyr36Cys; replaces tyrosine 36 with cysteine.
Molecular consequence: missense variant.
Genome position (GRCh38, 1-based): chr22:36,767,790, T>C on the plus strand (A>G on the coding strand, the complement: IFT27 is on the minus strand). VCF-style: chr22-36767790-T-C. GRCh37 (hg19) VCF-style: chr22-37163834-T-C.
Other names: c.107A>G, p.Tyr36Cys (NM_001363003.2); c.104A>G, p.Tyr35Cys (NM_006860.5); short protein forms Y35C, Y36C.
Identifiers: ClinVar variation 585273 (VCV000585273.9), dbSNP rs1569077441, ClinGen allele CA411386313.
Genomic context (GRCh38, chr22:36,767,790, plus strand): 5'-TGAACCGAGCACTTCTCTATAAGCTGTGGCCAGGTCTTGACACCCCAGCTCACCAGGGTG[T>C]AGCTTTTCTGGAAATGGGCTCCATCACTGCGGAAGATCTGTGCCAGGGCGGTCTTGCCCA-3'
Protein context (NP_001171172.1, residues 26-46): RSDGAHFQKS[Tyr36Cys]TLTTGMDLVV

ClinVar aggregate classification (germline): Pathogenic/Likely pathogenic. Review status: criteria provided, multiple submitters, no conflicts (2 of 4 stars). 4 submissions from 4 submitters: Pathogenic (2); Likely pathogenic (1). 1 of the submissions does not count toward it. Last evaluated 2026-07-09.

Conditions:
IFT27-related disorder. Also called: IFT27-related condition.
Bardet-Biedl syndrome 19 (BBS19). Identifiers: Orphanet 110, MedGen C3889475, MONDO:0014447, OMIM 615996.
Bardet-Biedl syndrome (BBS). Identifiers: Orphanet 110, MedGen C0752166, MONDO:0015229.

Allele frequency attached by ClinVar (database versions not stated): TOPMed below 0.00001.

Submissions (4):

PreventionGenetics, part of Exact Sciences
Classification: Likely pathogenic for IFT27-related condition. Last evaluated: 2026-07-09. Review status: criteria provided, single submitter. Criteria: ACMG Guidelines, 2015. Collection method: clinical testing. Allele origin: germline.
Comment: The IFT27 c.104A>G variant is predicted to result in the amino acid substitution p.Tyr35Cys. This variant was reported in the compound heterozygous state in an individual with Bardet-Biedl syndrome (BBS) (Schaefer et al. 2019. PubMed ID: 30761183), and was observed with a second pathogenic variant in another BBS patient, though phasing of the variants was not performed (Sanchez-Navarro et al. 2018. PubMed ID: 29588463). This variant has not been reported in a large population database (gnomAD), indicating this variant is rare. This variant is interpreted as likely pathogenic.

Labcorp Genetics (formerly Invitae), Labcorp
Classification: Pathogenic. Last evaluated: 2024-08-28. Review status: criteria provided, single submitter. Criteria: Invitae Variant Classification Sherloc (09022015). Collection method: clinical testing. Allele origin: germline.
Comment: This sequence change replaces tyrosine, which is neutral and polar, with cysteine, which is neutral and slightly polar, at codon 35 of the IFT27 protein (p.Tyr35Cys). This variant is not present in population databases (gnomAD no frequency). This missense change has been observed in individual(s) with Bardet-Biedl syndrome (PMID: 29588463, 30761183). In at least one individual the data is consistent with being in trans (on the opposite chromosome) from a pathogenic variant. ClinVar contains an entry for this variant (Variation ID: 585273). Invitae Evidence Modeling of protein sequence and biophysical properties (such as structural, functional, and spatial information, amino acid conservation, physicochemical variation, residue mobility, and thermodynamic stability) indicates that this missense variant is expected to disrupt IFT27 protein function with a positive predictive value of 95%. For these reasons, this variant has been classified as Pathogenic.

Laboratory of Medical Genetics (UMR_S 1112), INSERM/Strasbourg University
Classification: Pathogenic for Bardet-Biedl syndrome. Last evaluated: 2018-09-15. Review status: criteria provided, single submitter. Criteria: Schaefer et al. (Front Genet. 2019). Collection method: clinical testing, research. Allele origin: paternal. Inheritance: Autosomal recessive inheritance. Affected: yes. Observed: 1 variant allele.
Comment: Absent from gnomAD and 1000genomes, predicted to alter protein function (GDP/GTP exchange)

OMIM
Classification: Pathogenic for BARDET-BIEDL SYNDROME 19. Last evaluated: 2021-08-03. Review status: no assertion criteria provided. Collection method: literature only. Allele origin: germline. Not counted in ClinVar's aggregate classification.

Literature cited by the submitters: PubMed 29588463 (cited by Labcorp Genetics (formerly Invitae), Labcorp); PubMed 30761183 (cited by Labcorp Genetics (formerly Invitae), Labcorp and OMIM).